The following is an entry in ClinVar:

ClinVar aggregate classification (germline): Uncertain significance (1 of 4 stars; one submission).

Conditions:
Cardiomyopathy (CMYO). Also called: Cardiomyopathies. Identifiers: Orphanet 167848, MedGen C0878544, MONDO:0004994, HP:0001638. Inheritance: Various modes of inheritance.

Submission:

Color Diagnostics, LLC DBA Color Health
Classification: Uncertain significance for Cardiomyopathy. Last evaluated: 2025-08-22. Review status: criteria provided, single submitter. Criteria: ACMG Guidelines, 2015. Collection method: clinical testing. Allele origin: germline.
Comment: This missense variant replaces threonine with isoleucine at codon 235 of the MYH7 protein. Computational prediction suggests that this variant may have deleterious impact on protein structure and function. To our knowledge, functional studies have not been reported for this variant. This variant has not been reported in individuals affected with MYH7-related disorders in the literature. This variant has not been identified in the general population by the Genome Aggregation Database (gnomAD). The available evidence is insufficient to determine the role of this variant in disease conclusively. Therefore, this variant is classified as a Variant of Uncertain Significance.

NM_000257.4(MYH7):c.704C>T (p.Thr235Ile)

Gene: MYH7 (myosin heavy chain 7; minus strand). Cytogenetic location: 14q11.2.
Variant type: single nucleotide variant.
Coding change: c.704C>T on transcript NM_000257.4 (MANE Select); coding-DNA position 704, C replaced by T.
Protein change: p.Thr235Ile; replaces threonine 235 with isoleucine.
Molecular consequence: missense variant.
Genome position (GRCh38, 1-based): chr14:23,431,613, G>A on the plus strand (C>T on the coding strand, the complement: MYH7 is on the minus strand). VCF-style: chr14-23431613-G-A. GRCh37 (hg19) VCF-style: chr14-23900822-G-A.
Other names: c.704C>T, p.Thr235Ile (NM_001407004.1); short protein forms T235I.
Identifiers: ClinVar variation 4756169 (VCV004756169.1).